The following is an entry in ClinVar:

NM_000719.7(CACNA1C):c.3140G>C (p.Gly1047Ala)

Gene: CACNA1C (calcium voltage-gated channel subunit alpha1 C; plus strand). Cytogenetic location: 12p13.33.
Variant type: single nucleotide variant.
Coding change: c.3140G>C on transcript NM_000719.7 (MANE Select); coding-DNA position 3140, G replaced by C.
Protein change: p.Gly1047Ala; replaces glycine 1047 with alanine.
Molecular consequence: missense variant.
Genome position (GRCh38, 1-based): chr12:2,605,770, G>C. VCF-style: chr12-2605770-G-C. GRCh37 (hg19) VCF-style: chr12-2714936-G-C.
Other names: c.3200G>C, p.Gly1067Ala (NM_001129827.2, NM_001129832.2, NM_199460.4); c.3140G>C, p.Gly1047Ala (NM_001129829.2, NM_001129830.3, NM_001129831.2 and 15 more transcripts); c.3131G>C, p.Gly1044Ala (NM_001129844.2); short protein forms G1044A, G1067A, G1047A.
Identifiers: ClinVar variation 1419549 (VCV001419549.8), dbSNP rs2153427151, ClinGen allele CA383374276.
Genomic context (GRCh38, chr12:2,605,770, plus strand): 5'-GGACCATCGGGAACATCGTGATTGTCACCACCCTGCTGCAGTTCATGTTTGCCTGCATCG[G>C]GGTCCAGCTCTTCAAGGTAAAGTCTGGGCTCCGTTGTGGTCCTCCTACCTCCCCTCCCAT-3'
Protein context (NP_000710.5, residues 1037-1057): TLLQFMFACI[Gly1047Ala]VQLFKGKLYT

ClinVar aggregate classification (germline): Uncertain significance (1 of 4 stars; one submission).

Conditions:
Long QT syndrome (LQTS). Identifiers: MedGen C0023976, MeSH D008133, MONDO:0002442. Disease mechanism: loss of function. Inheritance: Various modes of inheritance.

Submission:

Labcorp Genetics (formerly Invitae), Labcorp
Classification: Uncertain significance for Long QT syndrome. Last evaluated: 2022-06-13. Review status: criteria provided, single submitter. Criteria: Invitae Variant Classification Sherloc (09022015). Collection method: clinical testing. Allele origin: germline.
Comment: In summary, the available evidence is currently insufficient to determine the role of this variant in disease. Therefore, it has been classified as a Variant of Uncertain Significance. Algorithms developed to predict the effect of missense changes on protein structure and function are either unavailable or do not agree on the potential impact of this missense change (SIFT: "Deleterious"; PolyPhen-2: "Probably Damaging"; Align-GVGD: "Class C0"). This variant has not been reported in the literature in individuals affected with CACNA1C-related conditions. This variant is not present in population databases (gnomAD no frequency). This sequence change replaces glycine, which is neutral and non-polar, with alanine, which is neutral and non-polar, at codon 1047 of the CACNA1C protein (p.Gly1047Ala).